The following is an entry in ClinVar:

NC_000009.12:g.(?_100226042)_(100226255_?)del

Gene: INVS (inversin; plus strand). Cytogenetic location: 9q31.1.
Variant type: Deletion.
Identifiers: ClinVar variation 531639 (VCV000531639.1).

ClinVar aggregate classification (germline): Uncertain significance (1 of 4 stars; one submission).

Conditions:
Nephronophthisis. Also called: Juvenile Nephronophthisis. Identifiers: Orphanet 655, MedGen C0687120, MONDO:0019005, HP:0000090.

Submission:

Labcorp Genetics (formerly Invitae), Labcorp
Classification: Uncertain significance for Nephronophthisis. Last evaluated: 2017-10-27. Review status: criteria provided, single submitter. Criteria: Invitae Variant Classification Sherloc (09022015). Collection method: clinical testing. Allele origin: germline.
Comment: This variant is an in-frame deletion of the genomic region encompassing exon 4 of the INVS gene. It preserves the integrity of the reading frame. This variant has not been reported in the literature in individuals with INVS-related disease. Experimental studies and prediction algorithms are not available for this variant, and the functional significance of the deleted amino acids is currently unknown. In summary, the available evidence is currently insufficient to determine the role of this variant in disease. Therefore, it has been classified as a Variant of Uncertain Significance.